The following is an entry in ClinVar:

ClinVar aggregate classification (germline): Uncertain significance (1 of 4 stars; one submission).

Conditions:
Hereditary cancer-predisposing syndrome. Also called: Tumor predisposition; Neoplastic Syndromes, Hereditary; Hereditary Cancer Syndrome; Hereditary neoplastic syndrome. Identifiers: Orphanet 140162, MedGen C0027672, MeSH D009386, MONDO:0015356.

gnomAD v4.1: 2 of 1,607,144 alleles (0.00012%); no homozygotes.

Submission:

Ambry Genetics
Classification: Uncertain significance for Hereditary cancer-predisposing syndrome. Last evaluated: 2025-11-22. Review status: criteria provided, single submitter. Criteria: Ambry Variant Classification Scheme 2023. Collection method: clinical testing. Allele origin: germline.
Comment: The p.I1039T variant (also known as c.3116T>C), located in coding exon 15 of the BLM gene, results from a T to C substitution at nucleotide position 3116. The isoleucine at codon 1039 is replaced by threonine, an amino acid with similar properties. This amino acid position is conserved. In addition, the in silico prediction for this alteration is inconclusive. Since supporting evidence is limited at this time, the clinical significance of this alteration remains unclear.

NM_000057.4(BLM):c.3116T>C (p.Ile1039Thr)

Gene: BLM (BLM RecQ like helicase; plus strand). Cytogenetic location: 15q26.1.
Variant type: single nucleotide variant.
Coding change: c.3116T>C on transcript NM_000057.4 (MANE Select); coding-DNA position 3116, T replaced by C.
Protein change: p.Ile1039Thr; replaces isoleucine 1039 with threonine.
Molecular consequence: missense variant.
Genome position (GRCh38, 1-based): chr15:90,794,263, T>C. VCF-style: chr15-90794263-T-C. GRCh37 (hg19) VCF-style: chr15-91337493-T-C.
Other names: c.3116T>C, p.Ile1039Thr (NM_001287246.2, NM_001287247.2); c.1991T>C, p.Ile664Thr (NM_001287248.2); short protein forms I1039T, I664T.
Identifiers: ClinVar variation 1727807 (VCV001727807.3), dbSNP rs1896976347, ClinGen allele CA393846870.